The following is an entry in ClinVar:

ClinVar aggregate classification (germline): Uncertain significance. Review status: criteria provided, multiple submitters, no conflicts (2 of 4 stars). 2 submissions from 2 submitters: Uncertain significance (2). Last evaluated 2024-09-21.

Allele frequency attached by ClinVar (database versions not stated): ESP Exome Variant Server 0.00008; 1000 Genomes Project 30x 0.00016; 1000 Genomes Project 0.00020.
gnomAD v4.1: 52 of 1,608,514 alleles (0.0032%); highest among the groups gnomAD compares: Admixed American, 0.01%; no homozygotes.

Submissions (2):

Labcorp Genetics (formerly Invitae), Labcorp
Classification: Uncertain significance. Last evaluated: 2024-09-21. Review status: criteria provided, single submitter. Criteria: Invitae Variant Classification Sherloc (09022015). Collection method: clinical testing. Allele origin: germline.
Comment: This sequence change replaces glutamine, which is neutral and polar, with lysine, which is basic and polar, at codon 135 of the ATP13A3 protein (p.Gln135Lys). This variant is present in population databases (rs372852497, gnomAD 0.003%). This variant has not been reported in the literature in individuals affected with ATP13A3-related conditions. ClinVar contains an entry for this variant (Variation ID: 2600248). Invitae Evidence Modeling of protein sequence and biophysical properties (such as structural, functional, and spatial information, amino acid conservation, physicochemical variation, residue mobility, and thermodynamic stability) indicates that this missense variant is not expected to disrupt ATP13A3 protein function with a negative predictive value of 80%. In summary, the available evidence is currently insufficient to determine the role of this variant in disease. Therefore, it has been classified as a Variant of Uncertain Significance.

Ambry Genetics
Classification: Uncertain significance. Last evaluated: 2023-08-19. Review status: criteria provided, single submitter. Criteria: Ambry Variant Classification Scheme 2023. Collection method: clinical testing. Allele origin: germline.

NM_001367549.1(ATP13A3):c.403C>A (p.Gln135Lys)

Gene: ATP13A3 (ATPase 13A3; minus strand). Cytogenetic location: 3q29.
Variant type: single nucleotide variant.
Coding change: c.403C>A on transcript NM_001367549.1 (MANE Select); coding-DNA position 403, C replaced by A.
Protein change: p.Gln135Lys; replaces glutamine 135 with lysine.
Molecular consequence: missense variant. On other transcripts: non-coding transcript variant (2).
Genome position (GRCh38, 1-based): chr3:194,459,794, G>T on the plus strand (C>A on the coding strand, the complement: ATP13A3 is on the minus strand). VCF-style: chr3-194459794-G-T. GRCh37 (hg19) VCF-style: chr3-194180523-G-T.
Other names: c.403C>A, p.Gln135Lys (NM_001374836.1, NM_024524.4); short protein forms Q135K.
Identifiers: ClinVar variation 2600248 (VCV002600248.4), dbSNP rs372852497, ClinGen allele CA2762287.
Genomic context (GRCh38, chr3:194,459,794, plus strand): 5'-ATAAAATGTAACAATTCTGATTTTTAAAGAAACTTTGACATTAAGATCACAATACCTGTT[G>T]TGATTCAGTCTGTGAATATTTACTGATCCTGTGCCTATTTTCTTCAGTGGGATTCTCAAT-3'
Protein context (NP_001354478.1, residues 125-145): RISKYSQTES[Gln135Lys]QIRYFTHHSV